The following is an entry in ClinVar:

ClinVar aggregate classification (germline): Pathogenic (1 of 4 stars; one submission).

Conditions:
Familial cancer of breast. Also called: BREAST CANCER, FAMILIAL; Hereditary breast cancer; hereditary breast carcinoma. Identifiers: Orphanet 227535, MedGen C0346153, MONDO:0016419, OMIM 114480. Disease mechanism: loss of function.

Submission:

Labcorp Genetics (formerly Invitae), Labcorp
Classification: Pathogenic for Familial cancer of breast. Last evaluated: 2017-11-18. Review status: criteria provided, single submitter. Criteria: Invitae Variant Classification Sherloc (09022015). Collection method: clinical testing. Allele origin: germline.
Comment: For these reasons, this variant has been classified as Pathogenic. Loss-of-function variants in BARD1 are known to be pathogenic (PMID: 20077502, 21344236). This variant has not been reported in the literature in individuals with BARD1-related disease. This variant is not present in population databases (ExAC no frequency). This sequence change creates a premature translational stop signal (p.Gln11Alafs*45) in the BARD1 gene. It is expected to result in an absent or disrupted protein product.

Literature cited by the submitters: PubMed 20077502; PubMed 21344236.

NM_000465.4(BARD1):c.30dup (p.Gln11fs)

Gene: BARD1 (BRCA1 associated RING domain 1; minus strand). Cytogenetic location: 2q35.
Variant type: Duplication.
Coding change: c.30dup on transcript NM_000465.4 (MANE Select); coding-DNA position 30, one base duplicated (G; older notation c.30dupG).
Protein change: p.Gln11fs; shifts the reading frame from glutamine 11.
Molecular consequence: frameshift variant. On other transcripts: non-coding transcript variant (3).
Genome position (GRCh38, 1-based): chr2:214,809,540, C duplicated on the plus strand (G on the coding strand, the reverse complement: BARD1 is on the minus strand); the first of 2 consecutive C bases (chr2:214,809,540-214,809,541); duplicating either gives the same sequence. VCF-style (leftmost placement, unchanged base first): chr2-214809539-G-GC. GRCh37 (hg19) VCF-style: chr2-215674263-G-GC.
Other names: c.30dupG (NM_000465.3); c.30dup, p.Gln11fs (NM_001282543.2, NM_001282545.2, NM_001282548.2 and 1 more transcripts); short protein forms Q11fs.
Identifiers: ClinVar variation 530132 (VCV000530132.7), dbSNP rs1553628482, ClinGen allele CA658796170.